The following is an entry in ClinVar:

ClinVar aggregate classification (germline): Benign/Likely benign. Review status: criteria provided, multiple submitters, no conflicts (2 of 4 stars). 12 submissions from 12 submitters: Benign (3); Likely benign (4). 5 of the submissions do not count toward it. Last evaluated 2026-02-04.

Conditions:
Epidermolysis bullosa dystrophica. Also called: Dystrophic epidermolysis bullosa, Hallopeau-Siemens type (formerly); Dystrophic epidermolysis bullosa. Identifiers: Orphanet 303, MedGen C0079294, MONDO:0006543.
Epidermolysis bullosa dystrophica inversa, autosomal recessive. Identifiers: MedGen C2673612.
Recessive dystrophic epidermolysis bullosa (RDEB). Also called: DYSTROPHIC EPIDERMOLYSIS BULLOSA, AUTOSOMAL RECESSIVE; EPIDERMOLYSIS BULLOSA DYSTROPHICA, HALLOPEAU-SIEMENS TYPE; severe generalized recessive dystrophic epidermolysis bullosa; EPIDERMOLYSIS BULLOSA DYSTROPHICA, GENERALIZED SEVERE, AUTOSOMAL RECESSIVE; Epidermolysis Bullosa Distrophica Autosomal Recessive (RDEB); Hallopeau-Siemens Disease. Identifiers: Orphanet 79408, Orphanet 79409, MedGen C0079474, MONDO:0009179, OMIM 226600.
COL7A1-related disorder. Also called: COL7A1- related disorders; COL7A1-related condition.
Transient bullous dermolysis of the newborn (TBDN). Also called: EPIDERMOLYSIS BULLOSA DYSTROPHICA, NEONATAL FORM; DYSTROPHIC EPIDERMOLYSIS BULLOSA, NEONATAL. Identifiers: Orphanet 79411, MedGen C1851573, MONDO:0007548, OMIM 131705.
Nonsyndromic congenital nail disorder 8. Also called: TOENAIL DYSTROPHY, ISOLATED. Identifiers: MedGen C1843761, MONDO:0011852, OMIM 607523.
Epidermolysis bullosa pruriginosa. Also called: DEB, PRURIGINOSA; DYSTROPHIC EPIDERMOLYSIS BULLOSA PRURIGINOSA. Identifiers: Orphanet 89843, MedGen C1275114, MONDO:0011398, OMIM 604129.
Generalized dominant dystrophic epidermolysis bullosa (DDEB). Also called: DDEB, generalized; DDEB-gen; DYSTROPHIC EPIDERMOLYSIS BULLOSA, AUTOSOMAL DOMINANT; Epidermolysis bullosa dystrophica, autosomal dominant; Dominant DEB (DDEB). Identifiers: Orphanet 231568, MedGen C0432322, MONDO:0007549, OMIM 131750.
Pretibial dystrophic epidermolysis bullosa. Also called: Pretibial epidermolysis bullosa; EPIDERMOLYSIS BULLOSA DYSTROPHICA, PRETIBIAL; Pretibial blistering. Identifiers: Orphanet 79410, MedGen C0432321, MONDO:0007552, OMIM 131850, HP:0012221.
Dominant dystrophic epidermolysis bullosa with absence of skin. Also called: EPIDERMOLYSIS BULLOSA DYSTROPHICA, BART TYPE; EPIDERMOLYSIS BULLOSA WITH CONGENITAL LOCALIZED ABSENCE OF SKIN AND DEFORMITY OF NAILS. Identifiers: MedGen C0268371, MONDO:0007557, OMIM 132000.

Allele frequency attached by ClinVar (database versions not stated): 1000 Genomes Project 30x 0.00031; 1000 Genomes Project 0.00040; ExAC 0.00315; gnomAD exomes 0.00326 and 0.00383; ESP Exome Variant Server 0.00361; gnomAD 0.00276 and 0.00285; TOPMed 0.00280.
gnomAD v4.1: 5,978 of 1,613,798 alleles (0.37%); highest among the groups gnomAD compares: Non-Finnish European, 0.42%; 19 homozygotes.

Submissions (12):

Labcorp Genetics (formerly Invitae), Labcorp
Classification: Benign. Last evaluated: 2026-02-04. Review status: criteria provided, single submitter. Criteria: Invitae Variant Classification Sherloc (09022015). Collection method: clinical testing. Allele origin: germline.

CeGaT Center for Human Genetics Tuebingen
Classification: Likely benign. Last evaluated: 2025-10-01. Review status: criteria provided, single submitter. Criteria: CeGaT Center For Human Genetics Tuebingen Variant Classification Criteria Version 2. Collection method: clinical testing. Allele origin: germline. Affected: yes. Observed: 5 variant alleles.
Comment: COL7A1: BP4, BS2

Mayo Clinic Laboratories, Mayo Clinic
Classification: Benign. Last evaluated: 2024-05-28. Review status: criteria provided, single submitter. Criteria: ACMG Guidelines, 2015. Collection method: clinical testing. Allele origin: germline. Observed: 3 variant alleles.
Comment: BS1, BS2

Fulgent Genetics
Classification: Benign for Transient bullous dermolysis of the newborn; Generalized dominant dystrophic epidermolysis bullosa; Pretibial dystrophic epidermolysis bullosa; Dominant dystrophic epidermolysis bullosa with absence of skin; Recessive dystrophic epidermolysis bullosa; Epidermolysis bullosa pruriginosa; Nonsyndromic congenital nail disorder 8. Last evaluated: 2022-04-28. Review status: criteria provided, single submitter. Criteria: ACMG Guidelines, 2015. Collection method: clinical testing. Allele origin: unknown.

Department of Pathology and Laboratory Medicine, Sinai Health System
Classification: Likely benign for recessive dystrophic epidermolysis bullosa. Last evaluated: 2020-07-27. Review status: criteria provided, single submitter. Criteria: ACMG Guidelines, 2015. Collection method: research. Allele origin: germline.

Illumina Laboratory Services, Illumina
Classification: Likely benign for Dystrophic epidermolysis bullosa. Last evaluated: 2018-01-12. Review status: criteria provided, single submitter. Criteria: ICSL Variant Classification Criteria 13 December 2019. Collection method: clinical testing. Allele origin: germline.
Comment: This variant was observed in the ICSL laboratory as part of a predisposition screen in an ostensibly healthy population. It had not been previously curated by ICSL or reported in the Human Gene Mutation Database (HGMD: prior to June 1st, 2018), and was therefore a candidate for classification through an automated scoring system. Utilizing variant allele frequency, disease prevalence and penetrance estimates, and inheritance mode, an automated score was calculated to assess if this variant is too frequent to cause the disease. Based on the score and internal cut-off values, a variant classified as likely benign is not then subjected to further curation. The score for this variant resulted in a classification of likely benign for this disease.

Breakthrough Genomics
Classification: Likely benign. Review status: criteria provided, single submitter. Criteria: ACMG Guidelines, 2015. Collection method: not provided. Allele origin: germline. Inheritance: Autosomal recessive inheritance. Affected: yes.

Natera, Inc.
Classification: Benign for Autosomal recessive epidermolysis bullosa dystrophica inversa. Last evaluated: 2020-01-03. Review status: no assertion criteria provided. Collection method: clinical testing. Allele origin: germline. Not counted in ClinVar's aggregate classification.

PreventionGenetics, part of Exact Sciences
Classification: Benign for COL7A1-related condition. Last evaluated: 2019-10-25. Review status: no assertion criteria provided. Collection method: clinical testing. Allele origin: germline. Not counted in ClinVar's aggregate classification.
Comment: This variant is classified as benign based on ACMG/AMP sequence variant interpretation guidelines (Richards et al. 2015 PMID: 25741868, with internal and published modifications).

Clinical Genetics DNA and cytogenetics Diagnostics Lab, Erasmus MC, Erasmus Medical Center
Classification: Likely benign. Review status: no assertion criteria provided. Collection method: clinical testing. Allele origin: germline. Affected: yes. Study: VKGL Data-share Consensus. Not counted in ClinVar's aggregate classification.

Genome Diagnostics Laboratory, Amsterdam University Medical Center
Classification: Likely benign. Review status: no assertion criteria provided. Collection method: clinical testing. Allele origin: germline. Affected: yes. Study: VKGL Data-share Consensus. Not counted in ClinVar's aggregate classification.

Joint Genome Diagnostic Labs from Nijmegen and Maastricht, Radboudumc and MUMC+
Classification: Likely benign. Review status: no assertion criteria provided. Collection method: clinical testing. Allele origin: germline. Affected: yes. Study: VKGL Data-share Consensus. Not counted in ClinVar's aggregate classification.

Literature cited by the submitters: PubMed 30467950 (cited by Mayo Clinic Laboratories, Mayo Clinic); PubMed 32707200 (cited by Mayo Clinic Laboratories, Mayo Clinic).

NM_000094.4(COL7A1):c.802C>T (p.Pro268Ser)

Gene: COL7A1 (collagen type VII alpha 1 chain; minus strand). Cytogenetic location: 3p21.31.
Variant type: single nucleotide variant.
Coding change: c.802C>T on transcript NM_000094.4 (MANE Select); coding-DNA position 802, C replaced by T.
Protein change: p.Pro268Ser; replaces proline 268 with serine.
Molecular consequence: missense variant.
Genome position (GRCh38, 1-based): chr3:48,592,819, G>A on the plus strand (C>T on the coding strand, the complement: COL7A1 is on the minus strand). VCF-style: chr3-48592819-G-A. GRCh37 (hg19) VCF-style: chr3-48630252-G-A.
Other names: p.Pro268Ser; short protein forms P268S.
Identifiers: ClinVar variation 345881 (VCV000345881.48), dbSNP rs35623035, ClinGen allele CA2381445.